The following is an entry in ClinVar:

ClinVar aggregate classification (germline): Uncertain significance (1 of 4 stars; one submission).

Conditions:
Familial adenomatous polyposis 2. Also called: COLORECTAL ADENOMATOUS POLYPOSIS, AUTOSOMAL RECESSIVE; ADENOMAS, MULTIPLE COLORECTAL, AUTOSOMAL RECESSIVE; MYH-associated polyposis; MUTYH-associated polyposis; MUTYH-related attenuated familial adenomatous polyposis; MUTYH Polyposis. Identifiers: Orphanet 220460, Orphanet 247798, MedGen C3272841, MONDO:0012041, OMIM 608456.

Submission:

Labcorp Genetics (formerly Invitae), Labcorp
Classification: Uncertain significance for Familial adenomatous polyposis 2. Last evaluated: 2023-09-26. Review status: criteria provided, single submitter. Criteria: Invitae Variant Classification Sherloc (09022015). Collection method: clinical testing. Allele origin: germline.
Comment: This sequence change replaces proline, which is neutral and non-polar, with alanine, which is neutral and non-polar, at codon 272 of the MUTYH protein (p.Pro272Ala). This variant is not present in population databases (gnomAD no frequency). This variant has not been reported in the literature in individuals affected with MUTYH-related conditions. An algorithm developed to predict the effect of missense changes on protein structure and function (PolyPhen-2) suggests that this variant is likely to be tolerated. In summary, the available evidence is currently insufficient to determine the role of this variant in disease. Therefore, it has been classified as a Variant of Uncertain Significance.

NM_001048174.2(MUTYH):c.730C>G (p.Pro244Ala)

Gene: MUTYH (mutY DNA glycosylase; minus strand). Cytogenetic location: 1p34.1.
Variant type: single nucleotide variant.
Coding change: c.730C>G on transcript NM_001048174.2 (MANE Select); coding-DNA position 730, C replaced by G.
Protein change: p.Pro244Ala; replaces proline 244 with alanine.
Molecular consequence: missense variant. On other transcripts: non-coding transcript variant (7).
Genome position (GRCh38, 1-based): chr1:45,332,285, G>C on the plus strand (C>G on the coding strand, the complement: MUTYH is on the minus strand). VCF-style: chr1-45332285-G-C. GRCh37 (hg19) VCF-style: chr1-45797957-G-C.
Other names: c.730C>G, p.Pro244Ala (NM_001048171.2, NM_001048173.2, NM_001293195.2 and 6 more transcripts); c.733C>G, p.Pro245Ala (NM_001048172.2, NM_001407071.1, NM_001407078.1 and 1 more transcripts); c.814C>G, p.Pro272Ala (NM_001128425.2); c.775C>G, p.Pro259Ala (NM_001293190.2); c.763C>G, p.Pro255Ala (NM_001293191.2, NM_001407069.1, NM_001407077.1); c.454C>G, p.Pro152Ala (NM_001293192.2, NM_001293196.2, NM_001407091.1); c.385C>G, p.Pro129Ala (NM_001350650.2, NM_001350651.2, NM_001407082.1); c.646C>G, p.Pro216Ala (NM_001407075.1); and 5 more; short protein forms P129A, P230A, P152A, P216A, P245A, P258A, P244A, P269A.
Identifiers: ClinVar variation 3017474 (VCV003017474.3), dbSNP rs786201772, ClinGen allele CA340134679.